The following is an entry in ClinVar:

ClinVar aggregate classification (germline): Uncertain significance (1 of 4 stars; one submission).

Submission:

Labcorp Genetics (formerly Invitae), Labcorp
Classification: Uncertain significance. Last evaluated: 2022-08-15. Review status: criteria provided, single submitter. Criteria: Invitae Variant Classification Sherloc (09022015). Collection method: clinical testing. Allele origin: germline.
Comment: This sequence change replaces glutamine, which is neutral and polar, with proline, which is neutral and non-polar, at codon 657 of the CAD protein (p.Gln657Pro). This variant is not present in population databases (gnomAD no frequency). This variant has not been reported in the literature in individuals affected with CAD-related conditions. ClinVar contains an entry for this variant (Variation ID: 1376797). Algorithms developed to predict the effect of missense changes on protein structure and function are either unavailable or do not agree on the potential impact of this missense change (SIFT: "Deleterious"; PolyPhen-2: "Benign"; Align-GVGD: "Class C0"). In summary, the available evidence is currently insufficient to determine the role of this variant in disease. Therefore, it has been classified as a Variant of Uncertain Significance.

NM_004341.5(CAD):c.1970A>C (p.Gln657Pro)

Gene: CAD (carbamoyl-phosphate synthetase 2, aspartate transcarbamylase, and dihydroorotase; plus strand). Cytogenetic location: 2p23.3.
Variant type: single nucleotide variant.
Coding change: c.1970A>C on transcript NM_004341.5 (MANE Select); coding-DNA position 1970, A replaced by C.
Protein change: p.Gln657Pro; replaces glutamine 657 with proline.
Molecular consequence: missense variant. On other transcripts: intron variant (1).
Genome position (GRCh38, 1-based): chr2:27,226,258, A>C. VCF-style: chr2-27226258-A-C. GRCh37 (hg19) VCF-style: chr2-27449126-A-C.
Other names: c.1843-267A>C (NM_001306079.2); short protein forms Q657P.
Identifiers: ClinVar variation 1376797 (VCV001376797.5), dbSNP rs2148066809, ClinGen allele CA346206994.